The following is an entry in ClinVar:

NM_000135.4(FANCA):c.3444dup (p.Ser1149fs)

Gene: FANCA (FA complementation group A; minus strand). Cytogenetic location: 16q24.3.
Variant type: Duplication.
Coding change: c.3444dup on transcript NM_000135.4 (MANE Select); coding-DNA position 3444, one base duplicated (C; older notation c.3444dupC).
Protein change: p.Ser1149fs; shifts the reading frame from serine 1149.
Molecular consequence: frameshift variant.
Genome position (GRCh38, 1-based): chr16:89,746,653, G duplicated on the plus strand (C on the coding strand, the reverse complement: FANCA is on the minus strand); the first of 4 consecutive G bases (chr16:89,746,653-89,746,656); duplicating any one gives the same sequence. VCF-style (leftmost placement, unchanged base first): chr16-89746652-A-AG. GRCh37 (hg19) VCF-style: chr16-89813060-A-AG.
Other names: c.3444dup, p.Ser1149fs (NM_001286167.3); short protein forms S1149fs.
Identifiers: ClinVar variation 4735191 (VCV004735191.1).
Genomic context (GRCh38, chr16:89,746,652, plus strand): 5'-AGGTCAAAATTAAGGGGCATTTCGTCTGGCACTTGGCCAGTATGAAGTCGACCATCAGGG[A>AG]GGGGTCTCTGCTCCGCAGACAGGCGTTCAGGAGGCCCTGCAGGAGAGAACGCAGCAGGAG-3'

ClinVar aggregate classification (germline): Pathogenic (1 of 4 stars; one submission).

Conditions:
Fanconi anemia (FA). Also called: Fanconi's anemia. Identifiers: Orphanet 84, MedGen C0015625, MeSH D005199, MONDO:0019391.

Submission:

Labcorp Genetics (formerly Invitae), Labcorp
Classification: Pathogenic for Fanconi anemia. Last evaluated: 2026-01-12. Review status: criteria provided, single submitter. Criteria: Invitae Variant Classification Sherloc (09022015). Collection method: clinical testing. Allele origin: germline.
Comment: This sequence change creates a premature translational stop signal (p.Ser1149Leufs*66) in the FANCA gene. It is expected to result in an absent or disrupted protein product. Loss-of-function variants in FANCA are known to be pathogenic (PMID: 19367192). This variant is not present in population databases (gnomAD no frequency). This variant has not been reported in the literature in individuals affected with FANCA-related conditions. For these reasons, this variant has been classified as Pathogenic.

Literature cited by the submitters: PubMed 19367192.